The following is an entry in ClinVar:

NM_000169.3(GLA):c.116C>T (p.Thr39Met)

Genes: GLA (galactosidase alpha; minus strand), RPL36A-HNRNPH2 (RPL36A-HNRNPH2 readthrough; plus strand). Cytogenetic location: Xq22.1.
Variant type: single nucleotide variant.
Coding change: c.116C>T on transcript NM_000169.3 (MANE Select); coding-DNA position 116, C replaced by T.
Protein change: p.Thr39Met; replaces threonine 39 with methionine.
Molecular consequence: missense variant. On other transcripts: non-coding transcript variant (3), intron variant (2).
Genome position (GRCh38, 1-based): chrX:101,407,788, G>A on the plus strand (C>T on the coding strand, the complement: GLA is on the minus strand). VCF-style: chrX-101407788-G-A. GRCh37 (hg19) VCF-style: chrX-100662776-G-A.
Other names: c.116C>T, p.Thr39Met (NM_001406747.1, NM_001406748.1, NM_001406749.1); c.301-4148G>A (NM_001199973.2); c.178-4148G>A (NM_001199974.2); short protein forms T39M.
Identifiers: ClinVar variation 3631534 (VCV003631534.4).

ClinVar aggregate classification (germline): Uncertain significance. Review status: criteria provided, multiple submitters, no conflicts (2 of 4 stars). 2 submissions from 2 submitters: Uncertain significance (2). Last evaluated 2026-09-08.

Conditions:
Fabry disease. Also called: Ceramide trihexosidosis; Fabry's disease; ALPHA-GALACTOSIDASE A DEFICIENCY; ANDERSON-FABRY DISEASE; CERAMIDE TRIHEXOSIDASE DEFICIENCY; GLA DEFICIENCY. Identifiers: Orphanet 324, MedGen C0002986, MONDO:0010526, OMIM 301500, HP:0001071. Disease mechanism: Fabry disease is due to inactivating mutations in the X-linked GLA gene resulting in deficiency of the enzyme Alpha Galactosidase-A., loss of function.

gnomAD v4.1: 2 of 1,209,428 alleles (0.00017%); highest among the groups gnomAD compares: Non-Finnish European, 0.00022%; no homozygotes.

Submissions (2):

Genomenon, Inc
Classification: Uncertain significance for Fabry disease. Last evaluated: 2026-09-08. Review status: criteria provided, single submitter. Criteria: Genomenon Sequence Variant Interpretation Standards - Updated. Collection method: curation. Allele origin: germline. Affected: no.
Comment: GLA p.Thr39Met (c.116C>T) is a missense variant that changes the amino acid at codon 39 from Threonine to Methionine. This variant has been reported in the published literature (PMID:37441486). It is absent or not present at a significant frequency in gnomAD. In silico models predict that this variant is possibly or probably damaging. In conclusion, we classify GLA p.Thr39Met (c.116C>T) as a variant of uncertain significance.

Labcorp Genetics (formerly Invitae), Labcorp
Classification: Uncertain significance for Fabry disease. Last evaluated: 2024-06-16. Review status: criteria provided, single submitter. Criteria: Invitae Variant Classification Sherloc (09022015). Collection method: clinical testing. Allele origin: germline.
Comment: This sequence change replaces threonine, which is neutral and polar, with methionine, which is neutral and non-polar, at codon 39 of the GLA protein (p.Thr39Met). This variant is present in population databases (rs201819574, gnomAD 0.001%). This variant has not been reported in the literature in individuals affected with GLA-related conditions. Advanced modeling of protein sequence and biophysical properties (such as structural, functional, and spatial information, amino acid conservation, physicochemical variation, residue mobility, and thermodynamic stability) performed at Invitae indicates that this missense variant is expected to disrupt GLA protein function with a positive predictive value of 80%. In summary, the available evidence is currently insufficient to determine the role of this variant in disease. Therefore, it has been classified as a Variant of Uncertain Significance.

Literature cited by the submitters: PubMed 37441486 (cited by Genomenon, Inc).